The following is an entry in ClinVar:

ClinVar aggregate classification (germline): Uncertain significance (1 of 4 stars; one submission).

Allele frequency attached by ClinVar (database versions not stated): gnomAD exomes below 0.00001.

Submission:

Labcorp Genetics (formerly Invitae), Labcorp
Classification: Uncertain significance. Last evaluated: 2025-02-13. Review status: criteria provided, single submitter. Criteria: Invitae Variant Classification Sherloc (09022015). Collection method: clinical testing. Allele origin: germline.
Comment: This sequence change replaces histidine, which is basic and polar, with tyrosine, which is neutral and polar, at codon 665 of the CLCN5 protein (p.His665Tyr). This variant is present in population databases (no rsID available, gnomAD 0.001%). This variant has not been reported in the literature in individuals affected with CLCN5-related conditions. ClinVar contains an entry for this variant (Variation ID: 3002632). Invitae Evidence Modeling of protein sequence and biophysical properties (such as structural, functional, and spatial information, amino acid conservation, physicochemical variation, residue mobility, and thermodynamic stability) indicates that this missense variant is not expected to disrupt CLCN5 protein function with a negative predictive value of 80%. In summary, the available evidence is currently insufficient to determine the role of this variant in disease. Therefore, it has been classified as a Variant of Uncertain Significance.

NM_001127898.4(CLCN5):c.2203C>T (p.His735Tyr)

Genes: CLCN5 (Cl-/H+ antiporter 5; plus strand), LOC126863258 (BRD4-independent group 4 enhancer GRCh37_chrX:49854497-49855696; plus strand). Cytogenetic location: Xp11.23.
Variant type: single nucleotide variant.
Coding change: c.2203C>T on transcript NM_001127898.4 (MANE Select); coding-DNA position 2203, C replaced by T.
Protein change: p.His735Tyr; replaces histidine 735 with tyrosine.
Molecular consequence: missense variant.
Genome position (GRCh38, 1-based): chrX:50,090,729, C>T. VCF-style: chrX-50090729-C-T. GRCh37 (hg19) VCF-style: chrX-49855386-C-T.
Other names: c.1993C>T, p.His665Tyr (NM_000084.5); c.2203C>T, p.His735Tyr (NM_001127899.4); c.2053C>T, p.His685Tyr (NM_001282163.2); short protein forms H735Y, H665Y, H685Y.
Identifiers: ClinVar variation 3002632 (VCV003002632.3), dbSNP rs1557194696, ClinGen allele CA413190773.